The following is an entry in ClinVar:

NM_015443.4(KANSL1):c.1295G>A (p.Arg432His)

Gene: KANSL1 (KAT8 regulatory NSL complex subunit 1). Cytogenetic location: 17q21.31.
Variant type: single nucleotide variant.
Coding change: c.1295G>A on transcript NM_015443.4 (MANE Select); coding-DNA position 1295, G replaced by A.
Protein change: p.Arg432His; replaces arginine 432 with histidine.
Molecular consequence: missense variant.
Genome position (GRCh38, 1-based): chr17:46,094,696, C>T on the plus strand (G>A on the coding strand, the complement: KANSL1 is on the minus strand). VCF-style: chr17-46094696-C-T. GRCh37 (hg19) VCF-style: chr17-44172062-C-T.
Other names: c.1295G>A, p.Arg432His (NM_001193465.2, NM_001193466.2, NM_001379198.1); short protein forms R432H.
Identifiers: ClinVar variation 999317 (VCV000999317.6), dbSNP rs754111757, ClinGen allele CA8618847.

ClinVar aggregate classification (germline): Uncertain significance (1 of 4 stars; one submission).

Conditions:
Koolen-de Vries syndrome (KDVS). Identifiers: Orphanet 96169, MedGen C1864871, MONDO:0012496, OMIM 610443.

Allele frequency attached by ClinVar (database versions not stated): gnomAD 0.00001; TOPMed 0.00001; gnomAD exomes 0.00002; ExAC 0.00003.
gnomAD v4.1: 23 of 1,613,932 alleles (0.0014%); highest among the groups gnomAD compares: South Asian, 0.019%; no homozygotes.

Submission:

Labcorp Genetics (formerly Invitae), Labcorp
Classification: Uncertain significance for Koolen-de Vries syndrome. Last evaluated: 2021-09-17. Review status: criteria provided, single submitter. Criteria: Invitae Variant Classification Sherloc (09022015). Collection method: clinical testing. Allele origin: germline.
Comment: Due to the possible presence of a polymorphic segmental duplication, the location of the variant could not be unambiguously resolved. Variants with ambiguous mapping are still reported relative to the KANSL1 transcript. This sequence change replaces arginine with histidine at codon 432 of the KANSL1 protein (p.Arg432His). The arginine residue is highly conserved and there is a small physicochemical difference between arginine and histidine. The frequency data for this variant in the population databases (ExAC) is considered unreliable due to the presence of homologous sequence, such as pseudogenes or paralogs, in the genome. This variant has not been reported in the literature in individuals with KANSL1-related conditions. ClinVar contains an entry for this variant (Variation ID: 999317). Algorithms developed to predict the effect of missense changes on protein structure and function output the following: SIFT: "Deleterious"; PolyPhen-2: "Benign"; Align-GVGD: "Class C25". The histidine amino acid residue is found in multiple mammalian species, which suggests that this missense change does not adversely affect protein function. Until the location of this sequence change can be resolved, the clinical significance of this variant remains uncertain. It has been classified as a Variant of Uncertain Significance.